The following is an entry in ClinVar:

ClinVar aggregate classification (germline): Uncertain significance (1 of 4 stars; one submission).

Conditions:
Congenital myasthenic syndrome 8. Also called: MYASTHENIC SYNDROME, CONGENITAL, DUE TO AGRIN DEFICIENCY; Myasthenic syndrome, congenital, 8, with pre- and postsynaptic defects. Identifiers: Orphanet 590, MedGen C3808739, MONDO:0014052, OMIM 615120.

gnomAD v4.1: 8 of 1,540,808 alleles (0.00052%); highest among the groups gnomAD compares: Non-Finnish European, 0.00061%; no homozygotes.

Submission:

Labcorp Genetics (formerly Invitae), Labcorp
Classification: Uncertain significance for Congenital myasthenic syndrome 8. Last evaluated: 2025-11-25. Review status: criteria provided, single submitter. Criteria: Invitae Variant Classification Sherloc (09022015). Collection method: clinical testing. Allele origin: germline.
Comment: This sequence change replaces alanine, which is neutral and non-polar, with glutamic acid, which is acidic and polar, at codon 207 of the AGRN protein (p.Ala207Glu). This variant is not present in population databases (gnomAD no frequency). This variant has not been reported in the literature in individuals affected with AGRN-related conditions. ClinVar contains an entry for this variant (Variation ID: 2888389). An algorithm developed to predict the effect of missense changes on protein structure and function (PolyPhen-2) suggests that this variant is likely to be tolerated. In summary, the available evidence is currently insufficient to determine the role of this variant in disease. Therefore, it has been classified as a Variant of Uncertain Significance.

NM_198576.4(AGRN):c.620C>A (p.Ala207Glu)

Gene: AGRN (agrin; plus strand). Cytogenetic location: 1p36.33.
Variant type: single nucleotide variant.
Coding change: c.620C>A on transcript NM_198576.4 (MANE Select); coding-DNA position 620, C replaced by A.
Protein change: p.Ala207Glu; replaces alanine 207 with glutamic acid.
Molecular consequence: missense variant.
Genome position (GRCh38, 1-based): chr1:1,040,773, C>A. VCF-style: chr1-1040773-C-A. GRCh37 (hg19) VCF-style: chr1-976153-C-A.
Other names: c.620C>A, p.Ala207Glu (NM_001305275.2); c.305C>A, p.Ala102Glu (NM_001364727.2); short protein forms A102E, A207E.
Identifiers: ClinVar variation 2888389 (VCV002888389.3), dbSNP rs996667695, ClinGen allele CA16750913.
Genomic context (GRCh38, chr1:1,040,773, plus strand): 5'-CGGAGGGGCCGGGCCGGGCGTCCTGCGTCTGCAAGAAGAGCCCGTGCCCCAGCGTGGTGG[C>A]GCCTGTGTGTGGGTCGGACGCCTCCACCTACAGCAACGAATGCGAGCTGCAGCGGGCGCA-3'
Protein context (NP_940978.2, residues 197-217): CKKSPCPSVV[Ala207Glu]PVCGSDASTY